The following is an entry in ClinVar:

NM_001364171.2(ODAD1):c.398del (p.Lys133fs)

Gene: ODAD1 (outer dynein arm docking complex subunit 1; minus strand). Cytogenetic location: 19q13.33.
Variant type: Deletion.
Coding change: c.398del on transcript NM_001364171.2 (MANE Select); coding-DNA position 398, one base deleted (A; older notation c.398delA).
Protein change: p.Lys133fs; shifts the reading frame from lysine 133.
Molecular consequence: frameshift variant.
Genome position (GRCh38, 1-based): chr19:48,312,079, T deleted on the plus strand (A on the coding strand, the reverse complement: ODAD1 is on the minus strand); the first of 2 consecutive T bases (chr19:48,312,079-48,312,080); deleting either gives the same sequence. VCF-style (leftmost placement, unchanged base first): chr19-48312078-CT-C. GRCh37 (hg19) VCF-style: chr19-48815335-CT-C.
Other names: c.287del, p.Lys96fs (NM_144577.4); short protein forms K96fs, K133fs.
Identifiers: ClinVar variation 525210 (VCV000525210.9), dbSNP rs1421531868, ClinGen allele CA633886533.

ClinVar aggregate classification (germline): Pathogenic/Likely pathogenic. Review status: criteria provided, multiple submitters, no conflicts (2 of 4 stars). 3 submissions from 3 submitters: Pathogenic (2); Likely pathogenic (1). Last evaluated 2023-07-14.

Conditions:
CCDC114-related disorders.
Primary ciliary dyskinesia. Also called: Ciliary dyskinesia. Identifiers: Orphanet 244, MedGen C0008780, MONDO:0016575, HP:0012265.

Submissions (3):

Blueprint Genetics
Classification: Likely pathogenic for CCDC114-related disorders. Last evaluated: 2023-07-14. Review status: criteria provided, single submitter. Criteria: ACMG Guidelines, 2015. Collection method: clinical testing. Allele origin: germline. Affected: yes. Observed: 1 variant allele.

Cambridge Genomics Laboratory, East Genomic Laboratory Hub, NHS Genomic Medicine Service
Classification: Pathogenic for Primary ciliary dyskinesia. Last evaluated: 2019-12-14. Review status: criteria provided, single submitter. Criteria: ACGS Best Practice Guidelines for Variant Classification in Rare Disease 2020. Collection method: clinical testing. Allele origin: germline. Affected: yes. Observed: 1 variant allele.

Labcorp Genetics (formerly Invitae), Labcorp
Classification: Pathogenic for Primary ciliary dyskinesia. Last evaluated: 2017-10-27. Review status: criteria provided, single submitter. Criteria: Invitae Variant Classification Sherloc (09022015). Collection method: clinical testing. Allele origin: germline.
Comment: This variant has not been reported in the literature in individuals with CCDC114-related disease. This variant is not present in population databases (ExAC no frequency). This sequence change creates a premature translational stop signal (p.Lys96Argfs*23) in the CCDC114 gene. It is expected to result in an absent or disrupted protein product. Loss-of-function variants in CCDC114 are known to be pathogenic (PMID: 23261302, 23261303). For these reasons, this variant has been classified as Pathogenic.

Literature cited by the submitters: PubMed 23261302 (cited by Labcorp Genetics (formerly Invitae), Labcorp); PubMed 23261303 (cited by Labcorp Genetics (formerly Invitae), Labcorp).